The following is an entry in ClinVar:

NM_001195553.2(DCX):c.238T>C (p.Phe80Leu)

Gene: DCX (doublecortin; minus strand). Cytogenetic location: Xq23.
Variant type: single nucleotide variant.
Coding change: c.238T>C on transcript NM_001195553.2 (MANE Select); coding-DNA position 238, T replaced by C.
Protein change: p.Phe80Leu; replaces phenylalanine 80 with leucine.
Molecular consequence: missense variant.
Genome position (GRCh38, 1-based): chrX:111,410,161, A>G on the plus strand (T>C on the coding strand, the complement: DCX is on the minus strand). VCF-style: chrX-111410161-A-G. GRCh37 (hg19) VCF-style: chrX-110653389-A-G.
Other names: c.481T>C, p.Phe161Leu (NM_000555.3); c.238T>C, p.Phe80Leu (NM_001369370.1, NM_001369371.1, NM_001369372.1 and 6 more transcripts); short protein forms F80L, F161L.
Identifiers: ClinVar variation 4088084 (VCV004088084.1).
Genomic context (GRCh38, chrX:111,410,161, plus strand): 5'-CCTGAGGCAGGTTGATGTTGTCAGACAGAGATCGCGTCAGGTCAGCCAGCAAGGCGTCAA[A>G]GCTGCGAAAACGGTCAGAGGACACAGCGTACACAATCCCCTTGAAGTAGCGGTCCCCATT-3'
Protein context (NP_001182482.1, residues 70-90): YAVSSDRFRS[Phe80Leu]DALLADLTRS

ClinVar aggregate classification (germline): Uncertain significance (1 of 4 stars; one submission).

Submission:

GeneDx
Classification: Uncertain significance. Last evaluated: 2025-03-29. Review status: criteria provided, single submitter. Criteria: GeneDx Variant Classification Process June 2021. Collection method: clinical testing. Allele origin: germline. Affected: yes.
Comment: Not observed at significant frequency in large population cohorts (gnomAD); In silico analysis supports that this missense variant has a deleterious effect on protein structure/function; Has not been previously published as pathogenic or benign to our knowledge